The following is an entry in ClinVar:

ClinVar aggregate classification (germline): Uncertain significance (1 of 4 stars; one submission).

Conditions:
DNAH6-related disorder. Also called: DNAH6-related condition.

gnomAD v4.1: 1 of 1,538,136 alleles (0.000065%); highest among the groups gnomAD compares: Non-Finnish European, 0.000088%; no homozygotes.

Submission:

PreventionGenetics, part of Exact Sciences
Classification: Uncertain significance for DNAH6-related condition. Last evaluated: 2026-01-15. Review status: criteria provided, single submitter. Criteria: ACMG Guidelines, 2015. Collection method: clinical testing. Allele origin: germline.
Comment: The DNAH6 c.4013A>G variant is predicted to result in the amino acid substitution p.Glu1338Gly. To our knowledge, this variant has not been reported in the literature or in a large population database (gnomAD), indicating this variant is rare. At this time, the clinical significance of this variant is uncertain due to the absence of conclusive functional and genetic evidence.

NM_001370.2(DNAH6):c.4013A>G (p.Glu1338Gly)

Gene: DNAH6 (dynein axonemal heavy chain 6; plus strand). Cytogenetic location: 2p11.2.
Variant type: single nucleotide variant.
Coding change: c.4013A>G on transcript NM_001370.2 (MANE Select); coding-DNA position 4013, A replaced by G.
Protein change: p.Glu1338Gly; replaces glutamic acid 1338 with glycine.
Molecular consequence: missense variant.
Genome position (GRCh38, 1-based): chr2:84,621,493, A>G. VCF-style: chr2-84621493-A-G. GRCh37 (hg19) VCF-style: chr2-84848617-A-G.
Other names: short protein forms E1338G.
Identifiers: ClinVar variation 4991597 (VCV004991597.1).